The following is an entry in ClinVar:

ClinVar aggregate classification (germline): Benign/Likely benign. Review status: criteria provided, multiple submitters, no conflicts (2 of 4 stars). 5 submissions from 4 submitters: Benign (1); Likely benign (4). Last evaluated 2024-04-01.

Conditions:
3-Methylglutaconic aciduria type 3 (MGCA3). Also called: OPA3, AUTOSOMAL RECESSIVE; OPTIC ATROPHY 3, AUTOSOMAL RECESSIVE; Costeff Syndrome; OPA3-Related 3-Methylglutaconic Aciduria. Identifiers: Orphanet 67047, MedGen C0574084, MONDO:0009787, OMIM 258501.
Optic atrophy 3 (OPA3). Also called: OPTIC ATROPHY 3, AUTOSOMAL DOMINANT; Optic atrophy, cataract, and neurologic disorder; Optic atrophy 3 with cataract. Identifiers: Orphanet 67036, MedGen C1833809, MONDO:0008133, OMIM 165300.

Allele frequency attached by ClinVar (database versions not stated): 1000 Genomes Project 30x 0.00219; 1000 Genomes Project 0.00319; TOPMed 0.00538; gnomAD 0.00565 and 0.00585; gnomAD exomes 0.01188.
gnomAD v4.1: 10,756 of 986,064 alleles (1.1%); highest among the groups gnomAD compares: Non-Finnish European, 1.2%; 79 homozygotes.

Submissions (5):

CeGaT Center for Human Genetics Tuebingen
Classification: Benign. Last evaluated: 2024-04-01. Review status: criteria provided, single submitter. Criteria: CeGaT Center For Human Genetics Tuebingen Variant Classification Criteria Version 2. Collection method: clinical testing. Allele origin: germline. Affected: yes. Observed: 12 variant alleles.
Comment: OPA3: BS1, BS2

Blueprint Genetics
Classification: Likely benign. Last evaluated: 2018-07-04. Review status: criteria provided, single submitter. Criteria: ACMG Guidelines, 2015. Collection method: clinical testing. Allele origin: germline.

Illumina Laboratory Services, Illumina
Classification: Likely benign for Optic atrophy 3. Last evaluated: 2017-04-27. Review status: criteria provided, single submitter. Criteria: ICSL Variant Classification Criteria 13 December 2019. Collection method: clinical testing. Allele origin: germline.
Comment: This variant was observed as part of a predisposition screen in an ostensibly healthy population. A literature search was performed for the gene, cDNA change, and amino acid change (where applicable). No publications were found based on this search. Allele frequency data from public databases allowed determination this variant is unlikely to cause disease. Therefore, this variant is classified as likely benign.

Illumina Laboratory Services, Illumina
Classification: Likely benign for 3-Methylglutaconic aciduria type 3. Last evaluated: 2017-04-27. Review status: criteria provided, single submitter. Criteria: ICSL Variant Classification Criteria 13 December 2019. Collection method: clinical testing. Allele origin: germline.
Comment: the same text as in the submission from Illumina Laboratory Services, Illumina above.

Breakthrough Genomics
Classification: Likely benign. Review status: criteria provided, single submitter. Criteria: ACMG Guidelines, 2015. Collection method: not provided. Allele origin: germline. Inheritance: Autosomal recessive inheritance. Affected: yes.

NM_025136.4(OPA3):c.*2696C>G

Genes: OPA3 (outer mitochondrial membrane lipid metabolism regulator OPA3; minus strand), OPA3-RTN2 (OPA3-RTN2 readthrough; minus strand). Cytogenetic location: 19q13.32.
Variant type: single nucleotide variant.
Coding change: c.*2696C>G on transcript NM_025136.4 (MANE Select); 2696 bases downstream of the stop codon, C replaced by G.
Molecular consequence: 3 prime UTR variant. On other transcripts: intron variant (1).
Genome position (GRCh38, 1-based): chr19:45,550,818, G>C on the plus strand (C>G on the coding strand, the complement: OPA3 is on the minus strand). VCF-style: chr19-45550818-G-C. GRCh37 (hg19) VCF-style: chr19-46054076-G-C.
Other names: c.143-21362C>G (NM_001017989.3).
Identifiers: ClinVar variation 329636 (VCV000329636.38), dbSNP rs148705681, ClinGen allele CA10652576.